The following is an entry in ClinVar:

NM_005422.4(TECTA):c.2725C>T (p.Arg909Cys)

Genes: TBCEL-TECTA (TBCEL-TECTA readthrough; plus strand), TECTA (tectorin alpha; plus strand), LOC126861365 (P300/CBP strongly-dependent group 1 enhancer GRCh37_chr11:121000154-121001353; plus strand). Cytogenetic location: 11q23.3.
Variant type: single nucleotide variant.
Coding change: c.2725C>T on transcript NM_005422.4 (MANE Select); coding-DNA position 2725, C replaced by T.
Protein change: p.Arg909Cys; replaces arginine 909 with cysteine.
Molecular consequence: missense variant.
Genome position (GRCh38, 1-based): chr11:121,129,995, C>T. VCF-style: chr11-121129995-C-T. GRCh37 (hg19) VCF-style: chr11-121000704-C-T.
Other names: c.3682C>T, p.Arg1228Cys (NM_001378761.1); short protein forms R1228C, R909C.
Identifiers: ClinVar variation 1197840 (VCV001197840.15), dbSNP rs139132568, ClinGen allele CA6327051.

ClinVar aggregate classification (germline): Conflicting classifications of pathogenicity. Review status: criteria provided, conflicting classifications (1 of 4 stars). 7 submissions from 7 submitters: Uncertain significance (5); Likely benign (2). Last evaluated 2026-01-30.

Conditions:
TECTA-related disorder. Also called: TECTA-related condition.
Autosomal dominant nonsyndromic hearing loss 12. Also called: DEAFNESS, AUTOSOMAL DOMINANT 8. Identifiers: Orphanet 90635, MedGen C1832187, MONDO:0011102, OMIM 601543.
Inborn genetic diseases. Identifiers: MedGen C0950123, MeSH D030342.
Autosomal recessive nonsyndromic hearing loss 21. Identifiers: Orphanet 90636, MedGen C1863655, MONDO:0011351, OMIM 603629.

Allele frequency attached by ClinVar (database versions not stated): TOPMed 0.00010; gnomAD 0.00012; ExAC 0.00014; gnomAD exomes 0.00017; ESP Exome Variant Server 0.00031.
gnomAD v4.1: 165 of 1,605,918 alleles (0.01%); highest among the groups gnomAD compares: Middle Eastern, 0.31%; no homozygotes.

Submissions (7):

PreventionGenetics, part of Exact Sciences
Classification: Likely benign for TECTA-related condition. Last evaluated: 2026-01-30. Review status: criteria provided, single submitter. Criteria: ACMG Guidelines, 2015. Collection method: clinical testing. Allele origin: germline.
Comment: This variant is classified as likely benign based on ACMG/AMP sequence variant interpretation guidelines (Richards et al. 2015 PMID: 25741868, with internal and published modifications).

Labcorp Genetics (formerly Invitae), Labcorp
Classification: Likely benign. Last evaluated: 2025-03-31. Review status: criteria provided, single submitter. Criteria: Invitae Variant Classification Sherloc (09022015). Collection method: clinical testing. Allele origin: germline.

GeneDx
Classification: Uncertain significance. Last evaluated: 2024-12-03. Review status: criteria provided, single submitter. Criteria: GeneDx Variant Classification Process June 2021. Collection method: clinical testing. Allele origin: germline. Affected: yes.
Comment: Reported in the heterozygous state in a patient with hearing loss in published literature (PMID: 36672845); this patient was also found to have additional variants associated with hearing loss; In silico analysis supports that this missense variant has a deleterious effect on protein structure/function; This variant is associated with the following publications: (PMID: 31554319, 9590290, 21520338, 36672845)

Department of Pathology and Laboratory Medicine, Sinai Health System
Classification: Uncertain significance for Autosomal dominant nonsyndromic hearing loss 12; Autosomal recessive nonsyndromic hearing loss 21. Last evaluated: 2023-03-08. Review status: criteria provided, single submitter. Criteria: ACMG Guidelines, 2015. Collection method: research. Allele origin: germline.

Victorian Clinical Genetics Services, Murdoch Childrens Research Institute
Classification: Uncertain significance for Autosomal dominant nonsyndromic hearing loss 12. Last evaluated: 2022-03-31. Review status: criteria provided, single submitter. Criteria: ACMG Guidelines, 2015. Collection method: clinical testing. Allele origin: germline. Inheritance: Autosomal dominant inheritance.
Comment: Based on the classification scheme VCGS_Germline_v1.3.4, this variant is classified as VUS-3B. Following criteria are met: 0102 - Loss of function is a known mechanism of disease in this gene and is associated with autosomal recessive deafness 21 (MIM#603629). The mechanism for autosomal dominant deafness, 8/12 (MIM#601543) is unknown, but dominant negative is a suggested mechanism (OMIM, PMID: 31554319). (I) 0108 - This gene is associated with both recessive and dominant disease. Generally, biallelic loss of function variants cause recessive deafness, while missense variants cause dominant deafness (PMID: 9949200, 20947814, 28946916). (I) 0200 - Variant is predicted to result in a missense amino acid change from arginine to cysteine. (I) 0251 - This variant is heterozygous. (I) 0304 - Variant is present in gnomAD (v2) <0.01 (43 heterozygotes, 0 homozygotes). (SP) 0309 - An alternative amino acid change at the same position has been observed in gnomAD (v2) (6 heterozygotes, 0 homozygotes). (I) 0501 - Missense variant consistently predicted to be damaging by multiple in silico tools or highly conserved with a major amino acid change. (SP) 0604 - Variant is not located in an established domain, motif, hotspot or informative constraint region. (I) 0710 - Another missense variant comparable to the one identified in this case has inconclusive previous evidence for pathogenicity. An alternative change, p.(Arg909His) has previously been classified as a VUS (ClinVar, Deafness variation database). (I) 0809 - Previous evidence of pathogenicity for this variant is inconclusive. This variant has been previously classified as a VUS (ClinVar, Deafness variation database). (I) 0905 - No published segregation evidence has been identified for this variant. (I) 1007 - No published functional evidence has been identified for this variant. (I) 1208 - Inheritance information for this variant is not currently available in this individual. (I) Legend: (SP) - Supporting pathogenic, (I) - Information, (SB) - Supporting benign

Ambry Genetics
Classification: Uncertain significance for Inborn genetic diseases. Last evaluated: 2021-09-01. Review status: criteria provided, single submitter. Criteria: Ambry Variant Classification Scheme 2023. Collection method: clinical testing. Allele origin: germline.

Breakthrough Genomics
Classification: Uncertain significance. Review status: criteria provided, single submitter. Criteria: ACMG Guidelines, 2015. Collection method: not provided. Allele origin: germline. Inheritance: Autosomal recessive inheritance. Affected: yes.

Literature cited by the submitters: PubMed 9949200 (cited by Victorian Clinical Genetics Services, Murdoch Childrens Research Institute); PubMed 20947814 (cited by Victorian Clinical Genetics Services, Murdoch Childrens Research Institute); PubMed 28946916 (cited by Victorian Clinical Genetics Services, Murdoch Childrens Research Institute); PubMed 31554319 (cited by Victorian Clinical Genetics Services, Murdoch Childrens Research Institute).